The following is an entry in ClinVar:

ClinVar aggregate classification (germline): Uncertain significance (1 of 4 stars; one submission).

Conditions:
FSHR-related disorder. Also called: FSHR-related disorders; FSHR-related condition.

gnomAD v4.1: 1 of 1,614,152 alleles (0.000062%); highest among the groups gnomAD compares: Non-Finnish European, 0.000085%; no homozygotes.

Submission:

PreventionGenetics, part of Exact Sciences
Classification: Uncertain significance for FSHR-related condition. Last evaluated: 2025-06-28. Review status: criteria provided, single submitter. Criteria: ACMG Guidelines, 2015. Collection method: clinical testing. Allele origin: germline.
Comment: The FSHR c.1382C>T variant is predicted to result in the amino acid substitution p.Thr461Ile. To our knowledge, this variant has not been reported in the literature. This variant is reported in 0.00089% of alleles in individuals of European (Non-Finnish) descent in gnomAD. At this time, the clinical significance of this variant is uncertain due to the absence of conclusive functional and genetic evidence.

NM_000145.4(FSHR):c.1382C>T (p.Thr461Ile)

Gene: FSHR (follicle stimulating hormone receptor; minus strand). Cytogenetic location: 2p16.3.
Variant type: single nucleotide variant.
Coding change: c.1382C>T on transcript NM_000145.4 (MANE Select); coding-DNA position 1382, C replaced by T.
Protein change: p.Thr461Ile; replaces threonine 461 with isoleucine.
Molecular consequence: missense variant.
Genome position (GRCh38, 1-based): chr2:48,963,439, G>A on the plus strand (C>T on the coding strand, the complement: FSHR is on the minus strand). VCF-style: chr2-48963439-G-A. GRCh37 (hg19) VCF-style: chr2-49190578-G-A.
Other names: c.1304C>T, p.Thr435Ile (NM_181446.3); short protein forms T461I, T435I.
Identifiers: ClinVar variation 4998047 (VCV004998047.1).